The following is an entry in ClinVar:

NM_001003800.2(BICD2):c.1659G>A (p.Met553Ile)

Gene: BICD2 (BICD cargo adaptor 2; minus strand). Cytogenetic location: 9q22.31.
Variant type: single nucleotide variant.
Coding change: c.1659G>A on transcript NM_001003800.2 (MANE Select); coding-DNA position 1659, G replaced by A.
Protein change: p.Met553Ile; replaces methionine 553 with isoleucine.
Molecular consequence: missense variant.
Genome position (GRCh38, 1-based): chr9:92,718,986, C>T on the plus strand (G>A on the coding strand, the complement: BICD2 is on the minus strand). VCF-style: chr9-92718986-C-T. GRCh37 (hg19) VCF-style: chr9-95481268-C-T.
Other names: p.Met553Ile; c.1659G>A, p.Met553Ile (NM_015250.4); short protein forms M553I.
Identifiers: ClinVar variation 432367 (VCV000432367.11), dbSNP rs374912668, ClinGen allele CA5126520.

ClinVar aggregate classification (germline): Conflicting classifications of pathogenicity. Review status: criteria provided, conflicting classifications (1 of 4 stars). 4 submissions from 4 submitters: Uncertain significance (1); Likely benign (3). Last evaluated 2025-08-29.

Conditions:
Autosomal dominant childhood-onset proximal spinal muscular atrophy with contractures (SMALED2A). Also called: SPINAL MUSCULAR ATROPHY, LOWER EXTREMITY-PREDOMINANT, 2A, CHILDHOOD ONSET, AUTOSOMAL DOMINANT; Spinal muscular atrophy, lower extremity-predominant, 2A, autosomal dominant. Identifiers: Orphanet 363447, Orphanet 363454, MedGen C4747715, MONDO:0014121, OMIM 615290.
Inborn genetic diseases. Identifiers: MedGen C0950123, MeSH D030342.

Allele frequency attached by ClinVar (database versions not stated): gnomAD exomes 0.00001 and 0.00002; ExAC 0.00003; gnomAD 0.00003; TOPMed 0.00003; ESP Exome Variant Server 0.00008.
gnomAD v4.1: 25 of 1,611,270 alleles (0.0016%); highest among the groups gnomAD compares: Non-Finnish European, 0.0021%; no homozygotes.

Submissions (4):

Ambry Genetics
Classification: Uncertain significance for Inborn genetic diseases. Last evaluated: 2025-08-29. Review status: criteria provided, single submitter. Criteria: Ambry Variant Classification Scheme 2023. Collection method: clinical testing. Allele origin: germline.

Mayo Clinic Laboratories, Mayo Clinic
Classification: Likely benign. Last evaluated: 2025-07-09. Review status: criteria provided, single submitter. Criteria: ACMG Guidelines, 2015. Collection method: clinical testing. Allele origin: germline. Observed: 1 variant allele.
Comment: BS2, BP4_moderate

Labcorp Genetics (formerly Invitae), Labcorp
Classification: Likely benign for Autosomal dominant childhood-onset proximal spinal muscular atrophy with contractures. Last evaluated: 2022-09-01. Review status: criteria provided, single submitter. Criteria: Invitae Variant Classification Sherloc (09022015). Collection method: clinical testing. Allele origin: germline.

GeneDx
Classification: Likely benign. Last evaluated: 2020-12-07. Review status: criteria provided, single submitter. Criteria: GeneDx Variant Classification Process June 2021. Collection method: clinical testing. Allele origin: germline. Affected: yes.